The following is an entry in ClinVar:

ClinVar aggregate classification (germline): Likely pathogenic. Review status: criteria provided, multiple submitters, no conflicts (2 of 4 stars). 3 submissions from 3 submitters: Likely pathogenic (2). 1 of the submissions does not count toward it. Last evaluated 2025-11-18.

Conditions:
Propionic acidemia (PROP). Also called: GLYCINEMIA, KETOTIC; HYPERGLYCINEMIA WITH KETOACIDOSIS AND LEUKOPENIA; KETOTIC HYPERGLYCINEMIA. Identifiers: Orphanet 35, MedGen C0268579, MONDO:0011628, OMIM 606054, HP:0003571.

gnomAD v4.1: 4 of 1,522,768 alleles (0.00026%); highest among the groups gnomAD compares: Admixed American, 0.0079%; no homozygotes.

Submissions (3):

Natera, Inc.
Classification: Likely pathogenic for Propionic acidemia. Last evaluated: 2025-11-18. Review status: criteria provided, single submitter. Criteria: Natera Variant Classification Schema (03/2026). Collection method: clinical testing. Allele origin: germline.
Comment: The c.1891G>C variant in PCCA is a missense variant predicted to cause substitution of glycine to arginine at amino acid 631. This variant is rare in the general population with a frequency below the threshold expected for the associated phenotype(s). This variant has been observed in one or more individuals affected with the associated recessive disease, as either homozygous or compound heterozygous with a second variant (PMID: 10101253, 10780784, 12385775). Functional studies show that this variant may disrupt protein function (PMID: 12385775). Computational prediction algorithms indicate this variant is likely to affect gene or protein function. Given the available evidence, this variant is classified as Likely Pathogenic.

Labcorp Genetics (formerly Invitae), Labcorp
Classification: Likely pathogenic for Propionic acidemia. Last evaluated: 2024-09-27. Review status: criteria provided, single submitter. Criteria: Invitae Variant Classification Sherloc (09022015). Collection method: clinical testing. Allele origin: germline.
Comment: This sequence change replaces glycine, which is neutral and non-polar, with arginine, which is basic and polar, at codon 631 of the PCCA protein (p.Gly631Arg). This variant is present in population databases (rs796052018, gnomAD 0.01%). This missense change has been observed in individual(s) with propionic acidemia (PMID: 10780784, 12385775, 27825584). This variant is also known as c.1816G>C (p.Gly606Arg). ClinVar contains an entry for this variant (Variation ID: 203878). Invitae Evidence Modeling of protein sequence and biophysical properties (such as structural, functional, and spatial information, amino acid conservation, physicochemical variation, residue mobility, and thermodynamic stability) has been performed for this missense variant. However, the output from this modeling did not meet the statistical confidence thresholds required to predict the impact of this variant on PCCA protein function. Experimental studies have shown that this missense change affects PCCA function (PMID: 12385775). In summary, the currently available evidence indicates that the variant is pathogenic, but additional data are needed to prove that conclusively. Therefore, this variant has been classified as Likely Pathogenic.

Counsyl
Classification: Likely pathogenic for Propionic acidemia. Last evaluated: 2018-02-14. Review status: no assertion criteria provided. Collection method: clinical testing. Allele origin: unknown. Not counted in ClinVar's aggregate classification.

Literature cited by the submitters: PubMed 10101253 (cited by Natera, Inc. and Counsyl); PubMed 10780784 (cited by Natera, Inc. and Labcorp Genetics (formerly Invitae), Labcorp); PubMed 12385775 (cited by 3 submitters); PubMed 27825584 (cited by Labcorp Genetics (formerly Invitae), Labcorp and Counsyl).

NM_000282.4(PCCA):c.1891G>C (p.Gly631Arg)

Gene: PCCA (propionyl-CoA carboxylase subunit alpha; plus strand). Cytogenetic location: 13q32.3.
Variant type: single nucleotide variant.
Coding change: c.1891G>C on transcript NM_000282.4 (MANE Select); coding-DNA position 1891, G replaced by C.
Protein change: p.Gly631Arg; replaces glycine 631 with arginine.
Molecular consequence: missense variant. On other transcripts: non-coding transcript variant (5), intron variant (2).
Genome position (GRCh38, 1-based): chr13:100,449,297, G>C. VCF-style: chr13-100449297-G-C. GRCh37 (hg19) VCF-style: chr13-101101551-G-C.
Other names: c.1813G>C, p.Gly605Arg (NM_001127692.3, NM_001352607.2); c.1891G>C, p.Gly631Arg (NM_001178004.2, NM_001352609.2); c.1747G>C, p.Gly583Arg (NM_001352606.2); c.1669G>C, p.Gly557Arg (NM_001352608.2); c.946G>C, p.Gly316Arg (NM_001352610.2); c.802G>C, p.Gly268Arg (NM_001352612.2); c.1845+23566G>C (NM_001352605.2); c.900+23566G>C (NM_001352611.2); short protein forms G631R, G268R, G583R, G557R, G605R, G316R.
Identifiers: ClinVar variation 203878 (VCV000203878.12), dbSNP rs796052018, ClinGen allele CA312816.